The following is an entry in ClinVar:

ClinVar aggregate classification (germline): Uncertain significance (1 of 4 stars; one submission).

gnomAD v4.1: 1 of 1,167,460 alleles (0.000086%); highest among the groups gnomAD compares: Admixed American, 0.0025%; no homozygotes.

Submission:

GeneDx
Classification: Uncertain significance. Last evaluated: 2026-03-19. Review status: criteria provided, single submitter. Criteria: GeneDx Variant Classification Process June 2021. Collection method: clinical testing. Allele origin: germline.
Comment: Reported in a individual without hematuria in population database in published literature (PMID: 34400539); Not observed at significant frequency in large population cohorts (gnomAD); In silico analysis supports that this missense variant has a deleterious effect on protein structure/function; This variant is associated with the following publications: (PMID: 34400539)

NM_033380.3(COL4A5):c.2104G>A (p.Gly702Ser)

Gene: COL4A5 (collagen type IV alpha 5 chain; plus strand). Cytogenetic location: Xq22.3.
Variant type: single nucleotide variant.
Coding change: c.2104G>A on transcript NM_033380.3 (MANE Select); coding-DNA position 2104, G replaced by A.
Protein change: p.Gly702Ser; replaces glycine 702 with serine.
Molecular consequence: missense variant.
Genome position (GRCh38, 1-based): chrX:108,601,947, G>A. VCF-style: chrX-108601947-G-A. GRCh37 (hg19) VCF-style: chrX-107845177-G-A.
Other names: c.2104G>A, p.Gly702Ser (NM_000495.5); short protein forms G702S.
Identifiers: ClinVar variation 4975100 (VCV004975100.1).